The following is an entry in ClinVar:

ClinVar aggregate classification (germline): Uncertain significance (1 of 4 stars; one submission).

gnomAD v4.1: 1 of 1,612,318 alleles (0.000062%); highest among the groups gnomAD compares: East Asian, 0.0022%; no homozygotes.

Submission:

GeneDx
Classification: Uncertain significance. Last evaluated: 2024-05-20. Review status: criteria provided, single submitter. Criteria: GeneDx Variant Classification Process June 2021. Collection method: clinical testing. Allele origin: germline. Affected: yes.
Comment: Not observed at significant frequency in large population cohorts (gnomAD); In silico analysis supports that this missense variant has a deleterious effect on protein structure/function; Has not been previously published as pathogenic or benign to our knowledge

NM_001348323.3(TRIP12):c.3479A>C (p.Asn1160Thr)

Gene: TRIP12 (thyroid hormone receptor interactor 12; minus strand). Cytogenetic location: 2q36.3.
Variant type: single nucleotide variant.
Coding change: c.3479A>C on transcript NM_001348323.3 (MANE Select); coding-DNA position 3479, A replaced by C.
Protein change: p.Asn1160Thr; replaces asparagine 1160 with threonine.
Molecular consequence: missense variant.
Genome position (GRCh38, 1-based): chr2:229,798,878, T>G on the plus strand (A>C on the coding strand, the complement: TRIP12 is on the minus strand). VCF-style: chr2-229798878-T-G. GRCh37 (hg19) VCF-style: chr2-230663594-T-G.
Other names: c.3398A>C, p.Asn1133Thr (NM_001284214.2, NM_001348315.2); c.3353A>C, p.Asn1118Thr (NM_001284215.2, NM_001348316.2, NM_001348317.1 and 1 more transcripts); c.2444A>C, p.Asn815Thr (NM_001284216.2); c.3479A>C, p.Asn1160Thr (NM_001348319.1, NM_001348320.2, NM_001348322.1 and 4 more transcripts); c.3482A>C, p.Asn1161Thr (NM_001348321.1, NM_001348328.1, NM_001348329.2 and 1 more transcripts); c.3272A>C, p.Asn1091Thr (NM_001348331.1); c.3392A>C, p.Asn1131Thr (NM_001348332.1); c.3401A>C, p.Asn1134Thr (NM_001348333.1); and 1 more; short protein forms N1085T, N1091T, N1118T, N1131T, N1133T, N1134T, N1160T, N1161T.
Identifiers: ClinVar variation 3381615 (VCV003381615.1).